The following is an entry in ClinVar:

NM_014712.3(SETD1A):c.4391A>T (p.His1464Leu)

Gene: SETD1A (SET domain containing 1A, histone lysine methyltransferase; plus strand). Cytogenetic location: 16p11.2.
Variant type: single nucleotide variant.
Coding change: c.4391A>T on transcript NM_014712.3 (MANE Select); coding-DNA position 4391, A replaced by T.
Protein change: p.His1464Leu; replaces histidine 1464 with leucine.
Molecular consequence: missense variant.
Genome position (GRCh38, 1-based): chr16:30,980,177, A>T. VCF-style: chr16-30980177-A-T. GRCh37 (hg19) VCF-style: chr16-30991498-A-T.
Other names: short protein forms H1464L.
Identifiers: ClinVar variation 4532442 (VCV004532442.1).

ClinVar aggregate classification (germline): Uncertain significance (1 of 4 stars; one submission).

Submission:

GeneDx
Classification: Uncertain significance. Last evaluated: 2025-05-21. Review status: criteria provided, single submitter. Criteria: GeneDx Variant Classification Process June 2021. Collection method: clinical testing. Allele origin: germline. Affected: yes.
Comment: Not observed at significant frequency in large population cohorts (gnomAD); In silico analysis suggests that this missense variant does not alter protein structure/function; Has not been previously published as pathogenic or benign to our knowledge